The following is an entry in ClinVar:

NM_015338.6(ASXL1):c.467C>T (p.Ser156Leu)

Gene: ASXL1 (ASXL transcriptional regulator 1; plus strand). Cytogenetic location: 20q11.21.
Variant type: single nucleotide variant.
Coding change: c.467C>T on transcript NM_015338.6 (MANE Select); coding-DNA position 467, C replaced by T.
Protein change: p.Ser156Leu; replaces serine 156 with leucine.
Molecular consequence: missense variant.
Genome position (GRCh38, 1-based): chr20:32,428,418, C>T. VCF-style: chr20-32428418-C-T. GRCh37 (hg19) VCF-style: chr20-31016221-C-T.
Other names: c.437C>T, p.Ser146Leu (NM_001363734.1); short protein forms S146L, S156L.
Identifiers: ClinVar variation 4825184 (VCV004825184.1).

ClinVar aggregate classification (germline): Uncertain significance (1 of 4 stars; one submission).

Conditions:
Inborn genetic diseases. Identifiers: MedGen C0950123, MeSH D030342.

Submission:

Ambry Genetics
Classification: Uncertain significance for Inborn genetic diseases. Last evaluated: 2026-01-17. Review status: criteria provided, single submitter. Criteria: Ambry Variant Classification Scheme 2023. Collection method: clinical testing. Allele origin: germline.
Comment: The p.S156L variant (also known as c.467C>T), located in coding exon 6 of the ASXL1 gene, results from a C to T substitution at nucleotide position 467. The serine at codon 156 is replaced by leucine, an amino acid with dissimilar properties. This amino acid position is conserved. In addition, this alteration is predicted to be tolerated by in silico analysis. Based on the available evidence, the clinical significance of this variant remains unclear.